The following is an entry in ClinVar:

ClinVar aggregate classification (germline): Likely benign. Review status: criteria provided, single submitter (1 of 4 stars). 2 submissions from 2 submitters: Likely benign (1). 1 of the submissions does not count toward it. Last evaluated 2025-09-23.

Conditions:
KIDINS220-related disorder. Also called: KIDINS220-related condition.

Allele frequency attached by ClinVar (database versions not stated): gnomAD 0.00007; ExAC 0.00007; ESP Exome Variant Server 0.00016.

Submissions (2):

Labcorp Genetics (formerly Invitae), Labcorp
Classification: Likely benign. Last evaluated: 2025-09-23. Review status: criteria provided, single submitter. Criteria: Invitae Variant Classification Sherloc (09022015). Collection method: clinical testing. Allele origin: germline.

PreventionGenetics, part of Exact Sciences
Classification: Likely benign for KIDINS220-related condition. Last evaluated: 2023-09-25. Review status: no assertion criteria provided. Collection method: clinical testing. Allele origin: germline. Not counted in ClinVar's aggregate classification.
Comment: This variant is classified as likely benign based on ACMG/AMP sequence variant interpretation guidelines (Richards et al. 2015 PMID: 25741868, with internal and published modifications).

NM_020738.4(KIDINS220):c.768C>T (p.Leu256=)

Gene: KIDINS220 (kinase D interacting substrate 220; minus strand). Cytogenetic location: 2p25.1.
Variant type: single nucleotide variant.
Coding change: c.768C>T on transcript NM_020738.4 (MANE Select); coding-DNA position 768, C replaced by T.
Protein change: p.Leu256=; no amino-acid change (leucine 256 retained).
Molecular consequence: synonymous variant. On other transcripts: non-coding transcript variant (2).
Genome position (GRCh38, 1-based): chr2:8,802,963, G>A on the plus strand (C>T on the coding strand, the complement: KIDINS220 is on the minus strand). VCF-style: chr2-8802963-G-A. GRCh37 (hg19) VCF-style: chr2-8943093-G-A.
Other names: c.768C>T (NM_020738.2); c.771C>T, p.Leu257= (NM_001348729.2, NM_001348731.2, NM_001348734.2 and 3 more transcripts); c.768C>T, p.Leu256= (NM_001348732.2, NM_001348735.2, NM_001348738.2 and 3 more transcripts); c.642C>T, p.Leu214= (NM_001348736.2).
Identifiers: ClinVar variation 2903567 (VCV002903567.5), dbSNP rs370591101, ClinGen allele CA1520358.